The following is an entry in ClinVar:

ClinVar aggregate classification (germline): Uncertain significance (1 of 4 stars; one submission).

Submission:

Labcorp Genetics (formerly Invitae), Labcorp
Classification: Uncertain significance. Last evaluated: 2018-12-27. Review status: criteria provided, single submitter. Criteria: Invitae Variant Classification Sherloc (09022015). Collection method: clinical testing. Allele origin: germline.
Comment: This sequence change replaces valine with aspartic acid at codon 278 of the CTSK protein (p.Val278Asp). The valine residue is highly conserved and there is a large physicochemical difference between valine and aspartic acid. This variant is not present in population databases (ExAC no frequency). This variant has not been reported in the literature in individuals with CTSK-related conditions. Algorithms developed to predict the effect of missense changes on protein structure and function (SIFT, PolyPhen-2, Align-GVGD) all suggest that this variant is likely to be disruptive, but these predictions have not been confirmed by published functional studies and their clinical significance is uncertain. In summary, the available evidence is currently insufficient to determine the role of this variant in disease. Therefore, it has been classified as a Variant of Uncertain Significance.

NM_000396.4(CTSK):c.833T>A (p.Val278Asp)

Gene: CTSK (cathepsin K; minus strand). Cytogenetic location: 1q21.3.
Variant type: single nucleotide variant.
Coding change: c.833T>A on transcript NM_000396.4 (MANE Select); coding-DNA position 833, T replaced by A.
Protein change: p.Val278Asp; replaces valine 278 with aspartic acid.
Molecular consequence: missense variant.
Genome position (GRCh38, 1-based): chr1:150,799,225, A>T on the plus strand (T>A on the coding strand, the complement: CTSK is on the minus strand). VCF-style: chr1-150799225-A-T. GRCh37 (hg19) VCF-style: chr1-150771701-A-T.
Other names: short protein forms V278D.
Identifiers: ClinVar variation 642214 (VCV000642214.1), dbSNP rs1571123285, ClinGen allele CA342335820.